The following is an entry in ClinVar:

ClinVar aggregate classification (germline): Likely benign (1 of 4 stars; one submission).

Conditions:
WDPCP-related disorder. Also called: WDPCP-related condition.

gnomAD v4.1: 8 of 1,613,018 alleles (0.0005%); highest among the groups gnomAD compares: Non-Finnish European, 0.00068%; no homozygotes.

Submission:

PreventionGenetics, part of Exact Sciences
Classification: Likely benign for WDPCP-related condition. Last evaluated: 2024-10-06. Review status: criteria provided, single submitter. Criteria: ACMG Guidelines, 2015. Collection method: clinical testing. Allele origin: germline.
Comment: This variant is classified as likely benign based on ACMG/AMP sequence variant interpretation guidelines (Richards et al. 2015 PMID: 25741868, with internal and published modifications).

NM_015910.7(WDPCP):c.1734C>T (p.Phe578=)

Gene: WDPCP (WD repeat containing planar cell polarity effector; minus strand). Cytogenetic location: 2p15.
Variant type: single nucleotide variant.
Coding change: c.1734C>T on transcript NM_015910.7 (MANE Select); coding-DNA position 1734, C replaced by T.
Protein change: p.Phe578=; no amino-acid change (phenylalanine 578 retained).
Molecular consequence: synonymous variant. On other transcripts: non-coding transcript variant (3).
Genome position (GRCh38, 1-based): chr2:63,378,400, G>A on the plus strand (C>T on the coding strand, the complement: WDPCP is on the minus strand). VCF-style: chr2-63378400-G-A. GRCh37 (hg19) VCF-style: chr2-63605535-G-A.
Other names: c.1257C>T, p.Phe419= (NM_001042692.3); c.1662C>T, p.Phe554= (NM_001354044.2); c.1734C>T, p.Phe578= (NM_001354045.2).
Identifiers: ClinVar variation 4983231 (VCV004983231.1).